The following is an entry in ClinVar:

ClinVar aggregate classification (germline): Pathogenic. Review status: criteria provided, multiple submitters, no conflicts (2 of 4 stars). 4 submissions from 4 submitters: Pathogenic (3). 1 of the submissions does not count toward it. Last evaluated 2024-10-31.

Conditions:
Lymphangiomyomatosis (LAM). Also called: Lymphangioleiomyomatosis; Lymphangioleiomyomatosis, somatic. Identifiers: Orphanet 538, MedGen C0751674, MONDO:0011705, OMIM 606690.
Tuberous sclerosis 2 (TSC2). Identifiers: Orphanet 805, MedGen C1860707, MONDO:0013199, OMIM 613254.
Isolated focal cortical dysplasia type II (FCORD2). Also called: CORTICAL DYSPLASIA OF TAYLOR; Focal cortical dysplasia type II. Identifiers: Orphanet 268994, MedGen C1846385, MONDO:0011818, OMIM 607341, HP:0032051.
Tuberous sclerosis syndrome (TSC). Also called: Tuberous Sclerosis Complex; Tuberous sclerosis. Identifiers: Orphanet 805, MedGen C0041341, MONDO:0001734.

Submissions (4):

Labcorp Genetics (formerly Invitae), Labcorp
Classification: Pathogenic for Tuberous sclerosis 2. Last evaluated: 2024-10-31. Review status: criteria provided, single submitter. Criteria: Invitae Variant Classification Sherloc (09022015). Collection method: clinical testing. Allele origin: germline.
Comment: This sequence change affects an acceptor splice site in intron 40 of the TSC2 gene. It is expected to disrupt RNA splicing. Variants that disrupt the donor or acceptor splice site typically lead to a loss of protein function (PMID: 16199547), and loss-of-function variants in TSC2 are known to be pathogenic (PMID: 10205261, 17304050). This variant is not present in population databases (gnomAD no frequency). Disruption of this splice site has been observed in individuals with tuberous sclerosis complex (PMID: 11112665). ClinVar contains an entry for this variant (Variation ID: 49943). Algorithms developed to predict the effect of sequence changes on RNA splicing suggest that this variant may disrupt the consensus splice site. For these reasons, this variant has been classified as Pathogenic.

Genome-Nilou Lab
Classification: Pathogenic for Tuberous sclerosis 2. Last evaluated: 2021-11-07. Review status: criteria provided, single submitter. Criteria: ACMG Guidelines, 2015. Collection method: clinical testing. Allele origin: germline. Affected: no.

Center for Genomics, Ann and Robert H. Lurie Children's Hospital of Chicago
Classification: Pathogenic for Lymphangiomyomatosis; Isolated focal cortical dysplasia type II; Tuberous sclerosis 2. Review status: criteria provided, single submitter. Criteria: ACMG Guidelines, 2015. Collection method: clinical testing. Allele origin: germline.
Comment: TSC2 NM_000548.4 exon 41 c.5161-1G>A: This variant has been reported in the literature in at least two individuals with a clinical diagnosis of Tuberous Sclerosis (Dabora 2001 PMID:11112665). This variant is not present in large control databases but is present in ClinVar (Variation ID:49943). Evolutionary conservation and computational predictive tools for this variant are limited or unavailable. Of note, this variant alters the consensus splice sequence (+/- 1,2) which is predicted to result in an absent or abnormal protein. Loss of function variants are a known mechanism of disease for this gene (Rosset 2017 PMID:28222202). In summary, this variant is classified as pathogenic based on the data above.

Tuberous sclerosis database (TSC2)
No classification provided. Condition: TSC. Review status: no classification provided. Criteria: Tuberous Sclerosis Database Assertion Criteria 2015. Collection method: curation. Allele origin: germline. Affected: yes. Not counted in ClinVar's aggregate classification.

Literature cited by the submitters: PubMed 16199547 (cited by Labcorp Genetics (formerly Invitae), Labcorp); PubMed 10205261 (cited by Labcorp Genetics (formerly Invitae), Labcorp); PubMed 17304050 (cited by Labcorp Genetics (formerly Invitae), Labcorp); PubMed 11112665 (cited by Labcorp Genetics (formerly Invitae), Labcorp).

NM_000548.5(TSC2):c.5161-1G>A

Gene: TSC2 (TSC complex subunit 2; plus strand). Cytogenetic location: 16p13.3.
Variant type: single nucleotide variant.
Coding change: c.5161-1G>A on transcript NM_000548.5 (MANE Select); the canonical splice acceptor site of the intron before coding-DNA position 5161, G replaced by A.
Molecular consequence: splice acceptor variant. On other transcripts: intron variant (1).
Genome position (GRCh38, 1-based): chr16:2,088,226, G>A. VCF-style: chr16-2088226-G-A. GRCh37 (hg19) VCF-style: chr16-2138227-G-A.
Other names: c.3619-1G>A (NM_001406693.1, NM_001406692.1, NM_001406694.1); c.5053-1G>A (NM_001406667.1); c.5050-1G>A (NM_001406668.1); c.4561-1G>A (NM_001406680.1); c.4492-1G>A (NM_001406683.1, NM_001406682.1); c.4360-1G>A (NM_001406687.1, NM_001406688.1); c.3748-1G>A (NM_001406689.1); c.3688-1G>A (NM_001406690.1); and 27 more.
Identifiers: ClinVar variation 49943 (VCV000049943.18), dbSNP rs45517404, ClinGen allele CA022008.